The following is an entry in ClinVar:

ClinVar aggregate classification (germline): Conflicting classifications of pathogenicity. Review status: criteria provided, conflicting classifications (1 of 4 stars). 5 submissions from 5 submitters: Uncertain significance (4); Likely benign (1). Last evaluated 2025-12-01.

Conditions:
Congenital myopathy 18. Also called: Myopathy, congenital, due to dihydropyridine receptor defect; DIHYDROPYRIDINE RECEPTOR CONGENITAL MYOPATHY; DHPR CONGENITAL MYOPATHY. Identifiers: MedGen C5830283, MONDO:0859514, OMIM 620246.
Malignant hyperthermia, susceptibility to, 5 (MHS5). Also called: CACNA1S-Related Malignant Hyperthermia Susceptibility. Identifiers: Orphanet 423, MedGen C1866077, MONDO:0011163, OMIM 601887.
Hypokalemic periodic paralysis, type 1. Also called: HypoPP; Hypokalemic Periodic Paralysis Type 1 (AD). Identifiers: Orphanet 681, MedGen C3714580, MONDO:0042979, OMIM 170400.
Thyrotoxic periodic paralysis, susceptibility to, 1 (TTPP1). Identifiers: Orphanet 79102, MedGen C2749982, MONDO:0008570, OMIM 188580.
Inborn genetic diseases. Identifiers: MedGen C0950123, MeSH D030342.

Allele frequency attached by ClinVar (database versions not stated): gnomAD 0.00006; TOPMed 0.00009; ESP Exome Variant Server 0.00015; 1000 Genomes Project 30x 0.00016; 1000 Genomes Project 0.00020.
gnomAD v4.1: 68 of 1,613,864 alleles (0.0042%); highest among the groups gnomAD compares: Non-Finnish European, 0.0057%; no homozygotes.

Submissions (5):

Labcorp Genetics (formerly Invitae), Labcorp
Classification: Likely benign for Hypokalemic periodic paralysis, type 1; Malignant hyperthermia, susceptibility to, 5. Last evaluated: 2025-12-01. Review status: criteria provided, single submitter. Criteria: Invitae Variant Classification Sherloc (09022015). Collection method: clinical testing. Allele origin: germline.

Ambry Genetics
Classification: Uncertain significance for Inborn genetic diseases. Last evaluated: 2025-06-12. Review status: criteria provided, single submitter. Criteria: Ambry Variant Classification Scheme 2023. Collection method: clinical testing. Allele origin: germline.

All of Us Research Program, National Institutes of Health
Classification: Uncertain significance for Malignant hyperthermia, susceptibility to, 5. Last evaluated: 2024-03-24. Review status: criteria provided, single submitter. Criteria: ACMG Guidelines, 2015. Collection method: clinical testing. Allele origin: germline. Inheritance: Autosomal dominant inheritance. Observed: 15 variant alleles, 15 heterozygotes.
Comment: This missense variant replaces methionine with threonine at codon 635 of the CACNA1S protein. Computational prediction is inconclusive regarding the impact of this variant on protein structure and function (internally defined REVEL score threshold 0.5 < inconclusive < 0.7, PMID: 27666373). To our knowledge, functional studies have not been reported for this variant. This variant has not been reported in individuals affected with CACNA1S-related disorders in the literature. This variant has been identified in 18/282860 chromosomes in the general population by the Genome Aggregation Database (gnomAD). The available evidence is insufficient to determine the role of this variant in disease conclusively. Therefore, this variant is classified as a Variant of Uncertain Significance.

This study involves interpretation of variants in research participants for the purpose of population health screening. Participant phenotype was not available at the time of variant classification. Additional details can be found in publication PMID: 35346344, PMCID: PMC8962531

Fulgent Genetics
Classification: Uncertain significance for Hypokalemic periodic paralysis, type 1; Thyrotoxic periodic paralysis, susceptibility to, 1; Malignant hyperthermia, susceptibility to, 5; Congenital myopathy 18. Last evaluated: 2024-02-08. Review status: criteria provided, single submitter. Criteria: ACMG Guidelines, 2015. Collection method: clinical testing. Allele origin: germline.

Color Diagnostics, LLC DBA Color Health
Classification: Uncertain significance for Malignant hyperthermia, susceptibility to, 5. Last evaluated: 2024-01-23. Review status: criteria provided, single submitter. Criteria: ACMG Guidelines, 2015. Collection method: clinical testing. Allele origin: germline.
Comment: This missense variant replaces methionine with threonine at codon 635 of the CACNA1S protein. Computational prediction is inconclusive regarding the impact of this variant on protein structure and function (internally defined REVEL score threshold 0.5 < inconclusive < 0.7, PMID: 27666373). To our knowledge, functional studies have not been reported for this variant. This variant has not been reported in individuals affected with CACNA1S-related disorders in the literature. This variant has been identified in 18/282860 chromosomes in the general population by the Genome Aggregation Database (gnomAD). The available evidence is insufficient to determine the role of this variant in disease conclusively. Therefore, this variant is classified as a Variant of Uncertain Significance.

NM_000069.3(CACNA1S):c.1904T>C (p.Met635Thr)

Gene: CACNA1S (calcium voltage-gated channel subunit alpha1 S; minus strand). Cytogenetic location: 1q32.1.
Variant type: single nucleotide variant.
Coding change: c.1904T>C on transcript NM_000069.3 (MANE Select); coding-DNA position 1904, T replaced by C.
Protein change: p.Met635Thr; replaces methionine 635 with threonine.
Molecular consequence: missense variant.
Genome position (GRCh38, 1-based): chr1:201,075,539, A>G on the plus strand (T>C on the coding strand, the complement: CACNA1S is on the minus strand). VCF-style: chr1-201075539-A-G. GRCh37 (hg19) VCF-style: chr1-201044667-A-G.
Other names: short protein forms M635T.
Identifiers: ClinVar variation 806318 (VCV000806318.23), dbSNP rs144590408, ClinGen allele CA078661.
Genomic context (GRCh38, chr1:201,075,539, plus strand): 5'-GCTCCCGAGAGGATACAGTTGCCACAGACGAAAAGGATGATGAAGTAAATGCACACAAGC[A>G]TGCCAGGGTAGGACGGCCCGCCGTAGGCCATGATCCCATTGTACATCATTGAGGTCCAGT-3'
Protein context (NP_000060.2, residues 625-645): MAYGGPSYPG[Met635Thr]LVCIYFIILF